The following is an entry in ClinVar:

NM_001111.5(ADAR):c.2207G>A (p.Arg736His)

Gene: ADAR (adenosine deaminase RNA specific; minus strand). Cytogenetic location: 1q21.3.
Variant type: single nucleotide variant.
Coding change: c.2207G>A on transcript NM_001111.5 (MANE Select); coding-DNA position 2207, G replaced by A.
Protein change: p.Arg736His; replaces arginine 736 with histidine.
Molecular consequence: missense variant.
Genome position (GRCh38, 1-based): chr1:154,596,868, C>T on the plus strand (G>A on the coding strand, the complement: ADAR is on the minus strand). VCF-style: chr1-154596868-C-T. GRCh37 (hg19) VCF-style: chr1-154569344-C-T.
Other names: c.1322G>A, p.Arg441His (NM_001025107.3, NM_001193495.2, NM_001365046.1 and 3 more transcripts); c.2234G>A, p.Arg745His (NM_001365045.1); c.2207G>A, p.Arg736His (NM_015840.4); c.2150G>A, p.Arg717His (NM_015841.4); short protein forms R745H, R736H, R441H, R717H.
Identifiers: ClinVar variation 963988 (VCV000963988.9), dbSNP rs147800502, ClinGen allele CA1131350.
Genomic context (GRCh38, chr1:154,596,868, plus strand): 5'-GGCTCGTGAGGAGGTCCGGACTGGTCGACCAACTTGAATTCAGCAGCAAAGCCATGGGAG[C>T]GGGCGTACTCCAAAAGGCCACCCACAGGGTTGGTGTTCAGGTATCTCACGAGCTCGCCAA-3'
Protein context (NP_001102.3, residues 726-746): NPVGGLLEYA[Arg736His]SHGFAAEFKL

ClinVar aggregate classification (germline): Uncertain significance (1 of 4 stars; one submission).

Conditions:
Symmetrical dyschromatosis of extremities (DSH). Also called: RETICULATE ACROPIGMENTATION OF DOHI; SYMMETRIC DYSCHROMATOSIS OF THE EXTREMITIES; Dyschromatosis symmetrica hereditaria; DYSCHROMATOSIS SYMMETRICA HEREDITARIA 1. Identifiers: Orphanet 41, MedGen C0406775, MONDO:0007483, OMIM 127400.
Aicardi-Goutieres syndrome 6 (AGS6). Identifiers: Orphanet 51, MedGen C3539013, MONDO:0014007, OMIM 615010.

Allele frequency attached by ClinVar (database versions not stated): ExAC 0.00002; gnomAD exomes 0.00002 and 0.00003; TOPMed 0.00002; gnomAD 0.00003; ESP Exome Variant Server 0.00015.
gnomAD v4.1: 41 of 1,613,980 alleles (0.0025%); highest among the groups gnomAD compares: South Asian, 0.0033%; no homozygotes.

Submission:

Labcorp Genetics (formerly Invitae), Labcorp
Classification: Uncertain significance for Aicardi-Goutieres syndrome 6; Symmetrical dyschromatosis of extremities. Last evaluated: 2025-10-08. Review status: criteria provided, single submitter. Criteria: Invitae Variant Classification Sherloc (09022015). Collection method: clinical testing. Allele origin: germline.
Comment: This sequence change replaces arginine, which is basic and polar, with histidine, which is basic and polar, at codon 736 of the ADAR protein (p.Arg736His). This variant is present in population databases (rs147800502, gnomAD 0.007%). This variant has not been reported in the literature in individuals affected with ADAR-related conditions. ClinVar contains an entry for this variant (Variation ID: 963988). Invitae Evidence Modeling of protein sequence and biophysical properties (such as structural, functional, and spatial information, amino acid conservation, physicochemical variation, residue mobility, and thermodynamic stability) has been performed for this missense variant. However, the output from this modeling did not meet the statistical confidence thresholds required to predict the impact of this variant on ADAR protein function. In summary, the available evidence is currently insufficient to determine the role of this variant in disease. Therefore, it has been classified as a Variant of Uncertain Significance.